The following is an entry in ClinVar:

ClinVar aggregate classification (germline): Uncertain significance (1 of 4 stars; one submission).

Conditions:
Meckel-Gruber syndrome. Also called: DYSENCEPHALIA SPLANCHNOCYSTICA; GRUBER SYNDROME; Dysencephalia splachnocystica. Identifiers: Orphanet 564, MedGen C0265215, MONDO:0018921.
Joubert syndrome. Also called: CEREBELLOPARENCHYMAL DISORDER IV; JOUBERT-BOLTSHAUSER SYNDROME; Familial aplasia of the vermis. Identifiers: Orphanet 475, MedGen C5979921, MONDO:0018772.

Allele frequency attached by ClinVar (database versions not stated): gnomAD exomes below 0.00001.

Submission:

Labcorp Genetics (formerly Invitae), Labcorp
Classification: Uncertain significance for Joubert syndrome; Meckel-Gruber syndrome. Last evaluated: 2021-01-29. Review status: criteria provided, single submitter. Criteria: Invitae Variant Classification Sherloc (09022015). Collection method: clinical testing. Allele origin: germline.
Comment: This sequence change replaces isoleucine with serine at codon 635 of the TCTN2 protein (p.Ile635Ser). The isoleucine residue is highly conserved and there is a large physicochemical difference between isoleucine and serine. This variant is not present in population databases (ExAC no frequency). This variant has not been reported in the literature in individuals with TCTN2-related conditions. Algorithms developed to predict the effect of missense changes on protein structure and function are either unavailable or do not agree on the potential impact of this missense change (SIFT: "Deleterious"; PolyPhen-2: "Benign"; Align-GVGD: "Class C65"). In summary, the available evidence is currently insufficient to determine the role of this variant in disease. Therefore, it has been classified as a Variant of Uncertain Significance.

NM_024809.5(TCTN2):c.1904T>G (p.Ile635Ser)

Gene: TCTN2 (tectonic family member 2; plus strand). Cytogenetic location: 12q24.31.
Variant type: single nucleotide variant.
Coding change: c.1904T>G on transcript NM_024809.5 (MANE Select); coding-DNA position 1904, T replaced by G.
Protein change: p.Ile635Ser; replaces isoleucine 635 with serine.
Molecular consequence: missense variant.
Genome position (GRCh38, 1-based): chr12:123,706,993, T>G. VCF-style: chr12-123706993-T-G. GRCh37 (hg19) VCF-style: chr12-124191540-T-G.
Other names: c.1901T>G, p.Ile634Ser (NM_001143850.3); short protein forms I634S, I635S.
Identifiers: ClinVar variation 1466886 (VCV001466886.8), dbSNP rs2135862767, ClinGen allele CA387148850.